The following is an entry in ClinVar:

ClinVar aggregate classification (germline): Uncertain significance. Review status: criteria provided, multiple submitters, no conflicts (2 of 4 stars). 2 submissions from 2 submitters: Uncertain significance (2). Last evaluated 2025-10-21.

Conditions:
Hereditary cancer-predisposing syndrome. Also called: Hereditary Cancer Syndrome; Hereditary neoplastic syndrome; Neoplastic Syndromes, Hereditary; Tumor predisposition. Identifiers: Orphanet 140162, MedGen C0027672, MeSH D009386, MONDO:0015356.
Oligodontia-cancer predisposition syndrome. Also called: TOOTH AGENESIS-COLORECTAL CANCER SYNDROME. Identifiers: Orphanet 300576, MedGen C1837750, MONDO:0012075, OMIM 608615. Disease mechanism: loss of function.

gnomAD v4.1: 7 of 1,614,222 alleles (0.00043%); highest among the groups gnomAD compares: Non-Finnish European, 0.00059%; no homozygotes.

Submissions (2):

Labcorp Genetics (formerly Invitae), Labcorp
Classification: Uncertain significance for Oligodontia-cancer predisposition syndrome. Last evaluated: 2025-10-21. Review status: criteria provided, single submitter. Criteria: Invitae Variant Classification Sherloc (09022015). Collection method: clinical testing. Allele origin: germline.
Comment: This sequence change replaces serine, which is neutral and polar, with threonine, which is neutral and polar, at codon 390 of the AXIN2 protein (p.Ser390Thr). This variant is not present in population databases (gnomAD no frequency). This variant has not been reported in the literature in individuals affected with AXIN2-related conditions. ClinVar contains an entry for this variant (Variation ID: 1739006). Invitae Evidence Modeling of protein sequence and biophysical properties (such as structural, functional, and spatial information, amino acid conservation, physicochemical variation, residue mobility, and thermodynamic stability) indicates that this missense variant is not expected to disrupt AXIN2 protein function with a negative predictive value of 80%. In summary, the available evidence is currently insufficient to determine the role of this variant in disease. Therefore, it has been classified as a Variant of Uncertain Significance.

Ambry Genetics
Classification: Uncertain significance for Hereditary cancer-predisposing syndrome. Last evaluated: 2023-09-20. Review status: criteria provided, single submitter. Criteria: Ambry Variant Classification Scheme 2023. Collection method: clinical testing. Allele origin: germline.
Comment: The p.S390T variant (also known as c.1169G>C), located in coding exon 4 of the AXIN2 gene, results from a G to C substitution at nucleotide position 1169. The serine at codon 390 is replaced by threonine, an amino acid with similar properties. This amino acid position is conserved. In addition, this alteration is predicted to be tolerated by in silico analysis. Since supporting evidence is limited at this time, the clinical significance of this alteration remains unclear.

NM_004655.4(AXIN2):c.1169G>C (p.Ser390Thr)

Gene: AXIN2 (axin 2; minus strand). Cytogenetic location: 17q24.1.
Variant type: single nucleotide variant.
Coding change: c.1169G>C on transcript NM_004655.4 (MANE Select); coding-DNA position 1169, G replaced by C.
Protein change: p.Ser390Thr; replaces serine 390 with threonine.
Molecular consequence: missense variant.
Genome position (GRCh38, 1-based): chr17:65,538,234, C>G on the plus strand (G>C on the coding strand, the complement: AXIN2 is on the minus strand). VCF-style: chr17-65538234-C-G. GRCh37 (hg19) VCF-style: chr17-63534352-C-G.
Other names: c.1169G>C, p.Ser390Thr (NM_001363813.1); short protein forms S390T.
Identifiers: ClinVar variation 1739006 (VCV001739006.5), dbSNP rs778900546, ClinGen allele CA400678233.
Genomic context (GRCh38, chr17:65,538,234, plus strand): 5'-AAGCAGGAAGAAGGCCTAGGCCGCATTACCTCTCGGATCTGCTGCAGGCGCTCCTCCAGG[C>G]TGTGGCGGCTCTCCAACTCCAGCTTCAGCTTTTCCAGCCTCGAGATCAGCTCAGCTGCAA-3'
Protein context (NP_004646.3, residues 380-400): KLKLELESRH[Ser390Thr]LEERLQQIRE